The following is an entry in ClinVar:

ClinVar aggregate classification (germline): Uncertain significance. Review status: criteria provided, multiple submitters, no conflicts (2 of 4 stars). 2 submissions from 2 submitters: Uncertain significance (2). Last evaluated 2025-09-28.

Conditions:
Inborn genetic diseases. Identifiers: MedGen C0950123, MeSH D030342.

Allele frequency attached by ClinVar (database versions not stated): gnomAD exomes below 0.00001.
gnomAD v4.1: 3 of 1,613,960 alleles (0.00019%); highest among the groups gnomAD compares: African/African-American, 0.0013%; no homozygotes.

Submissions (2):

Ambry Genetics
Classification: Uncertain significance for Inborn genetic diseases. Last evaluated: 2025-09-28. Review status: criteria provided, single submitter. Criteria: Ambry Variant Classification Scheme 2023. Collection method: clinical testing. Allele origin: germline.

Centre of Medical Genetics, University Hospital Muenster
Classification: Uncertain significance. Last evaluated: 2021-12-15. Review status: criteria provided, single submitter. Criteria: ACMG Guidelines, 2015. Collection method: clinical testing. Allele origin: unknown. Affected: yes. Observed: 1 variant allele, 1 heterozygote.
Comment: ACMG categories: PM2,PP3,BP1

NM_001171.6(ABCC6):c.1068G>A (p.Met356Ile)

Gene: ABCC6 (ATP binding cassette subfamily C member 6; minus strand). Cytogenetic location: 16p13.11.
Variant type: single nucleotide variant.
Coding change: c.1068G>A on transcript NM_001171.6 (MANE Select); coding-DNA position 1068, G replaced by A.
Protein change: p.Met356Ile; replaces methionine 356 with isoleucine.
Molecular consequence: missense variant. On other transcripts: non-coding transcript variant (1).
Genome position (GRCh38, 1-based): chr16:16,202,109, C>T on the plus strand (G>A on the coding strand, the complement: ABCC6 is on the minus strand). VCF-style: chr16-16202109-C-T. GRCh37 (hg19) VCF-style: chr16-16295966-C-T.
Other names: c.726G>A, p.Met242Ile (NM_001351800.1); c.1068G>A (NM_001171.5); short protein forms M242I, M356I.
Identifiers: ClinVar variation 1708432 (VCV001708432.4), dbSNP rs2048257019, ClinGen allele CA394890699.